The following is an entry in ClinVar:

NM_001378454.1(ALMS1):c.8026A>T (p.Met2676Leu)

Gene: ALMS1 (ALMS1 centrosome and basal body associated protein; plus strand). Cytogenetic location: 2p13.1.
Variant type: single nucleotide variant.
Coding change: c.8026A>T on transcript NM_001378454.1 (MANE Select); coding-DNA position 8026, A replaced by T.
Protein change: p.Met2676Leu; replaces methionine 2676 with leucine.
Molecular consequence: missense variant.
Genome position (GRCh38, 1-based): chr2:73,489,985, A>T. VCF-style: chr2-73489985-A-T. GRCh37 (hg19) VCF-style: chr2-73717112-A-T.
Other names: c.8029A>T, p.Met2677Leu (NM_015120.4); short protein forms M2676L, M2677L.
Identifiers: ClinVar variation 1761720 (VCV001761720.5), dbSNP rs780331033, ClinGen allele CA347266994.
Genomic context (GRCh38, chr2:73,489,985, plus strand): 5'-AACTTTATACCTGATGAATTCAAAATCAGCAAAGGTCTTCGAATGCCATTCGATGAAAAG[A>T]TGGACCCTTGGCTGTCAGAATTAGTAGAACCTGCTTTTGTGCCACCTAAAGAAGTGGATT-3'
Protein context (NP_001365383.1, residues 2666-2686): KGLRMPFDEK[Met2676Leu]DPWLSELVEP

ClinVar aggregate classification (germline): Uncertain significance. Review status: criteria provided, multiple submitters, no conflicts (2 of 4 stars). 2 submissions from 2 submitters: Uncertain significance (2). Last evaluated 2023-06-12.

Conditions:
Alstrom syndrome (ALMS). Identifiers: Orphanet 64, MedGen C0268425, MONDO:0008763, OMIM 203800.
Cardiovascular phenotype. Identifiers: MedGen CN230736.

Allele frequency attached by ClinVar (database versions not stated): gnomAD exomes below 0.00001.
gnomAD v4.1: 7 of 1,614,120 alleles (0.00043%); highest among the groups gnomAD compares: African/African-American, 0.0093%; no homozygotes.

Submissions (2):

Ambry Genetics
Classification: Uncertain significance for Cardiovascular phenotype. Last evaluated: 2023-06-12. Review status: criteria provided, single submitter. Criteria: Ambry Variant Classification Scheme 2023. Collection method: clinical testing. Allele origin: germline.
Comment: The p.M2677L variant (also known as c.8029A>T), located in coding exon 10 of the ALMS1 gene, results from an A to T substitution at nucleotide position 8029. The methionine at codon 2677 is replaced by leucine, an amino acid with highly similar properties. This amino acid position is not well conserved in available vertebrate species. In addition, this alteration is predicted to be tolerated by in silico analysis. Since supporting evidence is limited at this time, the clinical significance of this alteration remains unclear.

Labcorp Genetics (formerly Invitae), Labcorp
Classification: Uncertain significance for Alstrom syndrome. Last evaluated: 2022-04-11. Review status: criteria provided, single submitter. Criteria: Invitae Variant Classification Sherloc (09022015). Collection method: clinical testing. Allele origin: germline.
Comment: This sequence change replaces methionine, which is neutral and non-polar, with leucine, which is neutral and non-polar, at codon 2677 of the ALMS1 protein (p.Met2677Leu). This variant is present in population databases (no rsID available, gnomAD 0.007%). This variant has not been reported in the literature in individuals affected with ALMS1-related conditions. Experimental studies and prediction algorithms are not available or were not evaluated, and the functional significance of this variant is currently unknown. In summary, the available evidence is currently insufficient to determine the role of this variant in disease. Therefore, it has been classified as a Variant of Uncertain Significance.